The following is an entry in ClinVar:

NM_002887.4(RARS1):c.1236+226A>G

Gene: RARS1 (arginyl-tRNA synthetase 1; plus strand). Cytogenetic location: 5q34.
Variant type: single nucleotide variant.
Coding change: c.1236+226A>G on transcript NM_002887.4 (MANE Select); 226 bases into the intron after coding-DNA position 1236, A replaced by G.
Molecular consequence: intron variant.
Genome position (GRCh38, 1-based): chr5:168,506,425, A>G. VCF-style: chr5-168506425-A-G. GRCh37 (hg19) VCF-style: chr5-167933430-A-G.
Identifiers: ClinVar variation 669550 (VCV000669550.1), dbSNP rs2290625, ClinGen allele CA15367999.

ClinVar aggregate classification (germline): Benign (1 of 4 stars; one submission).

Allele frequency attached by ClinVar (database versions not stated): 1000 Genomes Project 0.17073; 1000 Genomes Project 30x 0.17489; TOPMed 0.19713; gnomAD 0.19999.
gnomAD v4.1: 29,283 of 152,122 alleles (19%); highest among the groups gnomAD compares: Admixed American, 30%; 3,148 homozygotes.

Submission:

GeneDx
Classification: Benign. Last evaluated: 2018-06-14. Review status: criteria provided, single submitter. Criteria: GeneDx Variant Classification (06012015). Collection method: clinical testing. Allele origin: germline. Affected: yes.
Comment: This variant is considered likely benign or benign based on one or more of the following criteria: it is a conservative change, it occurs at a poorly conserved position in the protein, it is predicted to be benign by multiple in silico algorithms, and/or has population frequency not consistent with disease.